The following is an entry in ClinVar:

ClinVar aggregate classification (germline): Pathogenic (1 of 4 stars; one submission).

Conditions:
Developmental and epileptic encephalopathy, 37 (DEE37). Also called: Epileptic encephalopathy, early infantile, 37. Identifiers: MedGen C4310770, MONDO:0014859, OMIM 616981.

Allele frequency attached by ClinVar (database versions not stated): ExAC 0.00001; gnomAD exomes 0.00001 and 0.00002.

Submission:

Labcorp Genetics (formerly Invitae), Labcorp
Classification: Pathogenic for Developmental and epileptic encephalopathy, 37. Last evaluated: 2023-12-28. Review status: criteria provided, single submitter. Criteria: Invitae Variant Classification Sherloc (09022015). Collection method: clinical testing. Allele origin: germline.
Comment: This sequence change creates a premature translational stop signal (p.Ala241Profs*21) in the FRRS1L gene. It is expected to result in an absent or disrupted protein product. Loss-of-function variants in FRRS1L are known to be pathogenic (PMID: 27236917). This variant is present in population databases (rs747737869, gnomAD 0.002%). This variant has not been reported in the literature in individuals affected with FRRS1L-related conditions. ClinVar contains an entry for this variant (Variation ID: 952733). For these reasons, this variant has been classified as Pathogenic.

Literature cited by the submitters: PubMed 27236917.

NM_014334.4(FRRS1L):c.568del (p.Ala190fs)

Gene: FRRS1L (ferric chelate reductase 1 like; minus strand). Cytogenetic location: 9q31.3.
Variant type: Deletion.
Coding change: c.568del on transcript NM_014334.4 (MANE Select); coding-DNA position 568, one base deleted (G; older notation c.568delG).
Protein change: p.Ala190fs; shifts the reading frame from alanine 190.
Molecular consequence: frameshift variant.
Genome position (GRCh38, 1-based): chr9:109,141,484, C deleted on the plus strand (G on the coding strand, the reverse complement: FRRS1L is on the minus strand). VCF-style (leftmost placement, unchanged base first): chr9-109141483-GC-G. GRCh37 (hg19) VCF-style: chr9-111903763-GC-G.
Other names: short protein forms A190fs.
Identifiers: ClinVar variation 952733 (VCV000952733.8), dbSNP rs747737869, ClinGen allele CA5177372.